The following is an entry in ClinVar:

ClinVar aggregate classification (germline): Uncertain significance. Review status: criteria provided, multiple submitters, no conflicts (2 of 4 stars). 3 submissions from 3 submitters: Uncertain significance (3). Last evaluated 2025-05-22.

Conditions:
Cardiovascular phenotype. Identifiers: MedGen CN230736.
Legius syndrome. Identifiers: Orphanet 137605, MedGen C1969623, MONDO:0012669, OMIM 611431. Disease mechanism: loss of function.

gnomAD v4.1: 1 of 1,614,126 alleles (0.000062%); highest among the groups gnomAD compares: Non-Finnish European, 0.000085%; no homozygotes.

Submissions (3):

Women's Health and Genetics/Laboratory Corporation of America, LabCorp
Classification: Uncertain significance. Last evaluated: 2025-05-22. Review status: criteria provided, single submitter. Criteria: LabCorp Variant Classification Summary - May 2015. Collection method: clinical testing. Allele origin: germline.

Ambry Genetics
Classification: Uncertain significance for Cardiovascular phenotype. Last evaluated: 2025-03-08. Review status: criteria provided, single submitter. Criteria: Ambry Variant Classification Scheme 2023. Collection method: clinical testing. Allele origin: germline.
Comment: The p.M266L variant (also known as c.796A>T), located in coding exon 7 of the SPRED1 gene, results from an A to T substitution at nucleotide position 796. The methionine at codon 266 is replaced by leucine, an amino acid with highly similar properties. This amino acid position is conserved. In addition, this alteration is predicted to be tolerated by in silico analysis. Based on the available evidence, the clinical significance of this variant remains unclear.

Labcorp Genetics (formerly Invitae), Labcorp
Classification: Uncertain significance for Legius syndrome. Last evaluated: 2021-12-05. Review status: criteria provided, single submitter. Criteria: Invitae Variant Classification Sherloc (09022015). Collection method: clinical testing. Allele origin: germline.
Comment: This variant is present in population databases (no rsID available, gnomAD 0.0009%). In summary, the available evidence is currently insufficient to determine the role of this variant in disease. Therefore, it has been classified as a Variant of Uncertain Significance. Algorithms developed to predict the effect of missense changes on protein structure and function (SIFT, PolyPhen-2, Align-GVGD) all suggest that this variant is likely to be tolerated. This variant has not been reported in the literature in individuals affected with SPRED1-related conditions. This sequence change replaces methionine, which is neutral and non-polar, with leucine, which is neutral and non-polar, at codon 266 of the SPRED1 protein (p.Met266Leu).

NM_152594.3(SPRED1):c.796A>T (p.Met266Leu)

Gene: SPRED1 (sprouty related EVH1 domain containing 1; plus strand). Cytogenetic location: 15q14.
Variant type: single nucleotide variant.
Coding change: c.796A>T on transcript NM_152594.3 (MANE Select); coding-DNA position 796, A replaced by T.
Protein change: p.Met266Leu; replaces methionine 266 with leucine.
Molecular consequence: missense variant.
Genome position (GRCh38, 1-based): chr15:38,351,125, A>T. VCF-style: chr15-38351125-A-T. GRCh37 (hg19) VCF-style: chr15-38643326-A-T.
Other names: c.796A>T (NM_152594.2); short protein forms M266L.
Identifiers: ClinVar variation 1512639 (VCV001512639.8), dbSNP rs1340143366, ClinGen allele CA391933263.
Genomic context (GRCh38, chr15:38,351,125, plus strand): 5'-GTCAGAATAAACCCTCGAGATATCTTAATACGTCGCTATGCAGACTACAGACATCCTGAC[A>T]TGTGGAAAAATGACTTGGAAAGAGATGATGCTGATTCCAGTATTCAGTTTTCTAAACCAG-3'
Protein context (NP_689807.1, residues 256-276): RRYADYRHPD[Met266Leu]WKNDLERDDA